The following is an entry in ClinVar:

NM_006904.7(PRKDC):c.10736C>G (p.Ser3579Cys)

Gene: PRKDC (protein kinase, DNA-activated, catalytic subunit; minus strand). Cytogenetic location: 8q11.21.
Variant type: single nucleotide variant.
Coding change: c.10736C>G on transcript NM_006904.7 (MANE Select); coding-DNA position 10736, C replaced by G.
Protein change: p.Ser3579Cys; replaces serine 3579 with cysteine.
Molecular consequence: missense variant.
Genome position (GRCh38, 1-based): chr8:47,789,173, G>C on the plus strand (C>G on the coding strand, the complement: PRKDC is on the minus strand). VCF-style: chr8-47789173-G-C. GRCh37 (hg19) VCF-style: chr8-48701734-G-C.
Other names: c.10736C>G, p.Ser3579Cys (NM_001081640.2); short protein forms S3579C.
Identifiers: ClinVar variation 2012660 (VCV002012660.4), dbSNP rs1228596396, ClinGen allele CA371132376.

ClinVar aggregate classification (germline): Uncertain significance (1 of 4 stars; one submission).

Conditions:
Severe combined immunodeficiency due to DNA-PKcs deficiency. Also called: Immunodeficiency 26 with or without neurologic abnormalities; IMMUNODEFICIENCY 26 WITH NEUROLOGIC ABNORMALITIES. Identifiers: Orphanet 317425, MedGen C4014833, MONDO:0014423, OMIM 615966.

Allele frequency attached by ClinVar (database versions not stated): TOPMed below 0.00001.

Submission:

Labcorp Genetics (formerly Invitae), Labcorp
Classification: Uncertain significance for Severe combined immunodeficiency due to DNA-PKcs deficiency. Last evaluated: 2022-07-01. Review status: criteria provided, single submitter. Criteria: Invitae Variant Classification Sherloc (09022015). Collection method: clinical testing. Allele origin: germline.
Comment: In summary, the available evidence is currently insufficient to determine the role of this variant in disease. Therefore, it has been classified as a Variant of Uncertain Significance. Experimental studies and prediction algorithms are not available or were not evaluated, and the functional significance of this variant is currently unknown. This variant has not been reported in the literature in individuals affected with PRKDC-related conditions. This variant is not present in population databases (gnomAD no frequency). This sequence change replaces serine, which is neutral and polar, with cysteine, which is neutral and slightly polar, at codon 3579 of the PRKDC protein (p.Ser3579Cys).